The following is an entry in ClinVar:

ClinVar aggregate classification (germline): Uncertain significance. Review status: criteria provided, multiple submitters, no conflicts (2 of 4 stars). 2 submissions from 2 submitters: Uncertain significance (2). Last evaluated 2024-06-04.

Conditions:
Brugada syndrome 5 (BRGDA5). Identifiers: Orphanet 130, Orphanet 871, MedGen C2748541, MONDO:0013015, OMIM 612838.

gnomAD v4.1: 1 of 1,614,190 alleles (0.000062%); no homozygotes.

Submissions (2):

Revvity Omics, Revvity
Classification: Uncertain significance. Last evaluated: 2024-06-04. Review status: criteria provided, single submitter. Criteria: ACMG Guidelines, 2015. Collection method: clinical testing. Allele origin: germline.

Labcorp Genetics (formerly Invitae), Labcorp
Classification: Uncertain significance for Brugada syndrome 5. Last evaluated: 2022-12-06. Review status: criteria provided, single submitter. Criteria: Invitae Variant Classification Sherloc (09022015). Collection method: clinical testing. Allele origin: germline.
Comment: This variant is not present in population databases (gnomAD no frequency). The SCN1B gene has multiple clinically relevant transcripts. This variant occurs in alternate transcript NM_001037.5, and corresponds to NM_199037.3:c.*5568A>C in the primary transcript. This sequence change replaces lysine, which is basic and polar, with glutamine, which is neutral and polar, at codon 208 of the SCN1B protein (p.Lys208Gln). This variant has not been reported in the literature in individuals affected with SCN1B-related conditions. Experimental studies and prediction algorithms are not available or were not evaluated, and the functional significance of this variant is currently unknown. In summary, the available evidence is currently insufficient to determine the role of this variant in disease. Therefore, it has been classified as a Variant of Uncertain Significance.

NM_001037.5(SCN1B):c.622A>C (p.Lys208Gln)

Gene: SCN1B (sodium voltage-gated channel beta subunit 1; plus strand). Cytogenetic location: 19q13.11.
Variant type: single nucleotide variant.
Coding change: c.622A>C on transcript NM_001037.5 (MANE Select); coding-DNA position 622, A replaced by C.
Protein change: p.Lys208Gln; replaces lysine 208 with glutamine.
Molecular consequence: missense variant.
Genome position (GRCh38, 1-based): chr19:35,039,666, A>C. VCF-style: chr19-35039666-A-C. GRCh37 (hg19) VCF-style: chr19-35530570-A-C.
Other names: c.523A>C, p.Lys175Gln (NM_001321605.2); short protein forms K208Q, K175Q.
Identifiers: ClinVar variation 1417803 (VCV001417803.9), dbSNP rs2151749056, ClinGen allele CA405330278.